The following is an entry in ClinVar:

ClinVar aggregate classification (germline): Uncertain significance. Review status: criteria provided, multiple submitters, no conflicts (2 of 4 stars). 2 submissions from 2 submitters: Uncertain significance (2). Last evaluated 2025-10-13.

Conditions:
DICER1-related tumor predisposition. Also called: DICER1-related pleuropulmonary blastoma cancer predisposition syndrome; DICER1 syndrome. Identifiers: Orphanet 284343, MedGen C3839822, MONDO:0100216.
Hereditary cancer-predisposing syndrome. Also called: Tumor predisposition; Neoplastic Syndromes, Hereditary; Hereditary Cancer Syndrome; Hereditary neoplastic syndrome. Identifiers: Orphanet 140162, MedGen C0027672, MeSH D009386, MONDO:0015356.

Allele frequency attached by ClinVar (database versions not stated): gnomAD 0.00001; TOPMed 0.00001.
gnomAD v4.1: 2 of 1,614,064 alleles (0.00012%); highest among the groups gnomAD compares: African/African-American, 0.0027%; no homozygotes.

Submissions (2):

Labcorp Genetics (formerly Invitae), Labcorp
Classification: Uncertain significance for DICER1-related tumor predisposition. Last evaluated: 2025-10-13. Review status: criteria provided, single submitter. Criteria: Invitae Variant Classification Sherloc (09022015). Collection method: clinical testing. Allele origin: germline.
Comment: This sequence change replaces serine, which is neutral and polar, with cysteine, which is neutral and slightly polar, at codon 1218 of the DICER1 protein (p.Ser1218Cys). This variant is not present in population databases (gnomAD no frequency). This variant has not been reported in the literature in individuals affected with DICER1-related conditions. ClinVar contains an entry for this variant (Variation ID: 477154). Invitae Evidence Modeling of protein sequence and biophysical properties (such as structural, functional, and spatial information, amino acid conservation, physicochemical variation, residue mobility, and thermodynamic stability) indicates that this missense variant is not expected to disrupt DICER1 protein function with a negative predictive value of 95%. In summary, the available evidence is currently insufficient to determine the role of this variant in disease. Therefore, it has been classified as a Variant of Uncertain Significance.

Ambry Genetics
Classification: Uncertain significance for Hereditary cancer-predisposing syndrome. Last evaluated: 2023-02-27. Review status: criteria provided, single submitter. Criteria: Ambry Variant Classification Scheme 2023. Collection method: clinical testing. Allele origin: germline.
Comment: The p.S1218C variant (also known as c.3653C>G), located in coding exon 20 of the DICER1 gene, results from a C to G substitution at nucleotide position 3653. The serine at codon 1218 is replaced by cysteine, an amino acid with dissimilar properties. This amino acid position is poorly conserved in available vertebrate species. In addition, this alteration is predicted to be tolerated by in silico analysis. Since supporting evidence is limited at this time, the clinical significance of this alteration remains unclear.

NM_177438.3(DICER1):c.3653C>G (p.Ser1218Cys)

Gene: DICER1 (dicer 1, ribonuclease III; minus strand). Cytogenetic location: 14q32.13.
Variant type: single nucleotide variant.
Coding change: c.3653C>G on transcript NM_177438.3 (MANE Select); coding-DNA position 3653, C replaced by G.
Protein change: p.Ser1218Cys; replaces serine 1218 with cysteine.
Molecular consequence: missense variant.
Genome position (GRCh38, 1-based): chr14:95,103,743, G>C on the plus strand (C>G on the coding strand, the complement: DICER1 is on the minus strand). VCF-style: chr14-95103743-G-C. GRCh37 (hg19) VCF-style: chr14-95570080-G-C.
Other names: c.3653C>G, p.Ser1218Cys (NM_001195573.1, NM_001271282.3, NM_001291628.2 and 1 more transcripts); short protein forms S1218C.
Identifiers: ClinVar variation 477154 (VCV000477154.16), dbSNP rs1197755223, ClinGen allele CA390874519.
Genomic context (GRCh38, chr14:95,103,743, plus strand): 5'-AGGAGAGTACATTCATCGCTGGGCTGGGGCTGGTTCTCGTAACTGTATAAATTCTGAATG[G>C]AATATGAGGTAGTTGGTTGCACGGGTATTTCCTGCTTGTAGTAATTTAGCTGATTTCCTT-3'
Protein context (NP_803187.1, residues 1208-1228): EIPVQPTTSY[Ser1218Cys]IQNLYSYENQ